The following is an entry in ClinVar:

NM_020975.6(RET):c.3292_3302del (p.Asn1098fs)

Gene: RET (ret proto-oncogene; plus strand). Cytogenetic location: 10q11.21.
Variant type: Deletion.
Coding change: c.3292_3302del on transcript NM_020975.6 (MANE Select); coding-DNA positions 3292 to 3302, 11 bases deleted (AACTGGATGCT).
Protein change: p.Asn1098fs; shifts the reading frame from asparagine 1098.
Molecular consequence: frameshift variant. On other transcripts: 3 prime UTR variant (18), intron variant (3).
Genome position (GRCh38, 1-based): chr10:43,128,216-43,128,226, AACTGGATGCT deleted; deleting any 11 consecutive bases within chr10:43,128,211-43,128,226 gives the same sequence; the c. name uses the placement nearest the transcript's 3' end. VCF-style (leftmost placement, unchanged base first): chr10-43128210-TATGCTAACTGG-T. GRCh37 (hg19) VCF-style: chr10-43623658-TATGCTAACTGG-T.
Other names: c.*1462_*1472del (NM_001355216.2, NM_001406764.1, NM_001406765.1 and 15 more transcripts); c.3292_3302del, p.Asn1098fs (NM_001406743.1); c.3232_3242del, p.Asn1078fs (NM_001406759.1, NM_001406760.1); c.3163_3173del, p.Asn1055fs (NM_001406761.1, NM_001406762.1); c.3157_3167del, p.Asn1053fs (NM_001406763.1); c.3004_3014del, p.Asn1002fs (NM_001406766.1, NM_001406767.1); c.2896_2906del, p.Asn966fs (NM_001406769.1); c.2854_2864del, p.Asn952fs (NM_001406771.1); and 11 more; short protein forms N1002fs, N1053fs, N1078fs, N836fs, N856fs, N615fs, N799fs, N703fs.
Identifiers: ClinVar variation 3432287 (VCV003432287.1).

ClinVar aggregate classification (germline): Uncertain significance (1 of 4 stars; one submission).

Conditions:
Hereditary cancer-predisposing syndrome. Also called: Neoplastic Syndromes, Hereditary; Tumor predisposition; Hereditary Cancer Syndrome; Hereditary neoplastic syndrome. Identifiers: Orphanet 140162, MedGen C0027672, MeSH D009386, MONDO:0015356.

Submission:

Ambry Genetics
Classification: Uncertain significance for Hereditary cancer-predisposing syndrome. Last evaluated: 2024-11-14. Review status: criteria provided, single submitter. Criteria: Ambry Variant Classification Scheme 2023. Collection method: clinical testing. Allele origin: germline.
Comment: The c.3292_3302del11 variant, located in coding exon 20 of the RET gene, results from a deletion of 11 nucleotides at nucleotide positions 3292 to 3302, causing a translational frameshift with a predicted alternate stop codon (p.N1098Ffs*12). This alteration occurs at the 3' terminus of theRET gene, is not expected to trigger nonsense-mediated mRNAdecay, and only impacts the last 1.5% of the protein. The exact functional effect of this alteration is unknown. Based on the available evidence, the clinical significance of this variant remains unclear.